The following is an entry in ClinVar:

ClinVar aggregate classification (germline): Uncertain significance (1 of 4 stars; one submission).

Allele frequency attached by ClinVar (database versions not stated): gnomAD exomes below 0.00001 and 0.00001; TOPMed below 0.00001; gnomAD 0.00001.
gnomAD v4.1: 6 of 1,613,854 alleles (0.00037%); highest among the groups gnomAD compares: Non-Finnish European, 0.00051%; no homozygotes.

Submission:

GeneDx
Classification: Uncertain significance. Last evaluated: 2013-05-27. Review status: criteria provided, single submitter. Criteria: GeneDx Variant Classification (06012015). Collection method: clinical testing. Allele origin: germline. Affected: yes.
Comment: This variant is denoted p.Arg180Gln at the protein level, c.539 G>A at the cDNA level, and results in a change of an Arginine for a Glutamine (CGG>CAG) in exon 3 of the CBL gene (NM_005188.2). The R180Q missense substitution has not been published as a mutation, nor has it been reported as a benign polymorphism to our knowledge. R180Q is a non-conservative amino acid substitution as a positively charged Arginine residue is replaced with a neutral Glutamine residue at a position that is highly conserved across species. This amino acid substitution lies within the tyrosine kinase binding domain and is predicted by in silico algorithms to be a damaging change. The NHLBI ESP Exome Variant Server reports R180Q was not observed in approximately 6,500 samples from individuals of European and African American backgrounds, indicating it is not a common benign variant in these populations. However, missense mutations in the CBL gene have not been reported to occur prior to codon Glutamine 367. Therefore, based on the currently available information, it is unclear whether R180Q is a disease-causing mutation or a rare benign variant. The variant is found in NOONAN panel(s).

NM_005188.4(CBL):c.539G>A (p.Arg180Gln)

Gene: CBL (Cbl proto-oncogene; plus strand). Cytogenetic location: 11q23.3.
Variant type: single nucleotide variant.
Coding change: c.539G>A on transcript NM_005188.4 (MANE Select); coding-DNA position 539, G replaced by A.
Protein change: p.Arg180Gln; replaces arginine 180 with glutamine.
Molecular consequence: missense variant.
Genome position (GRCh38, 1-based): chr11:119,271,830, G>A. VCF-style: chr11-119271830-G-A. GRCh37 (hg19) VCF-style: chr11-119142540-G-A.
Other names: p.R180Q:CGG>CAG; short protein forms R180Q.
Identifiers: ClinVar variation 180813 (VCV000180813.2), dbSNP rs730880431, ClinGen allele CA295980.
Genomic context (GRCh38, chr11:119,271,830, plus strand): 5'-ACATGCTGGCAGAACTAAAAGGAATCTTTCCAAGTGGACTCTTTCAGGGAGACACATTTC[G>A]GATTACTAAAGCAGATGCTGCGGAATTTTGGAGAAAAGCTTTTGGGGAAAAGTAAGTCTC-3'
Protein context (NP_005179.2, residues 170-190): PSGLFQGDTF[Arg180Gln]ITKADAAEFW